The following is an entry in ClinVar:

ClinVar aggregate classification (germline): Pathogenic. Review status: criteria provided, multiple submitters, no conflicts (2 of 4 stars). 2 submissions from 2 submitters: Pathogenic (2). Last evaluated 2025-07-16.

Conditions:
Hereditary cancer-predisposing syndrome. Also called: Tumor predisposition; Hereditary neoplastic syndrome; Neoplastic Syndromes, Hereditary; Hereditary Cancer Syndrome. Identifiers: Orphanet 140162, MedGen C0027672, MeSH D009386, MONDO:0015356.
Lynch syndrome 5 (LYNCH5). Also called: Colorectal cancer, hereditary nonpolyposis, type 5; Hereditary non-polyposis colorectal cancer, type 5. Identifiers: Orphanet 144, MedGen C1833477, MONDO:0013710, OMIM 614350. Disease mechanism: loss of function.

Submissions (2):

Molecular Diagnostics Laboratory, Catalan Institute of Oncology
Classification: Pathogenic for Hereditary cancer-predisposing syndrome. Last evaluated: 2025-07-16. Review status: criteria provided, single submitter. Criteria: ClinGen CRC ACMG Specifications MSH6 V1.0.0. Collection method: clinical testing. Allele origin: germline.
Comment: PVS1, PM2_Supporting, PP4 c.2188dup, located in exon 4 of the MSH6 gene, consists in the duplication of 1 nucleotide, causing a translational frameshift with a predicted alternate stop codon, p.(Tyr730Leufs*26). This alteration is expected to result in loss of function by premature protein truncation and nonsense-mediated mRNA decay (PVS1). This variant is absent from the GnomAD v4.1.0 database (PM2_Supporting). The SpliceAI algorithm predicts no significant impact on splicing. Also, the variant has only been reported in ClinVar (1x pathogenic). Based on currently available information, the variant c.2188dup is classified as a pathogenic variant according to to ClinGen-CRC_ACMG_Specifications_MSH6_v1.0.0.

Myriad Genetics, Inc.
Classification: Pathogenic for Lynch syndrome 5. Last evaluated: 2023-08-16. Review status: criteria provided, single submitter. Criteria: Myriad Autosomal Dominant, Autosomal Recessive and X-Linked Classification Criteria (2023). Collection method: clinical testing. Allele origin: unknown.
Comment: This variant is considered pathogenic. This variant creates a frameshift predicted to result in premature protein truncation.

NM_000179.3(MSH6):c.2188dup (p.Tyr730fs)

Gene: MSH6 (mutS homolog 6; plus strand). Cytogenetic location: 2p16.3.
Variant type: Duplication.
Coding change: c.2188dup on transcript NM_000179.3 (MANE Select); coding-DNA position 2188, one base duplicated (T; older notation c.2188dupT).
Protein change: p.Tyr730fs; shifts the reading frame from tyrosine 730.
Molecular consequence: frameshift variant. On other transcripts: non-coding transcript variant (5), intron variant (2).
Genome position (GRCh38, 1-based): chr2:47,800,171, T duplicated. VCF-style (leftmost placement, unchanged base first): chr2-47800170-C-CT. GRCh37 (hg19) VCF-style: chr2-48027309-C-CT.
Other names: c.1891dup, p.Tyr631fs (NM_001406797.1, NM_001406801.1, NM_001406805.1 and 10 more transcripts); c.2188dup, p.Tyr730fs (NM_001406798.1, NM_001406800.1, NM_001406803.1 and 3 more transcripts); c.1663dup, p.Tyr555fs (NM_001406799.1, NM_001406806.1, NM_001406807.1); c.2284dup, p.Tyr762fs (NM_001406802.1, NM_001406795.1); c.2110dup, p.Tyr704fs (NM_001406804.1); c.1282dup, p.Tyr428fs (NM_001406811.1, NM_001406812.1, NM_001406814.1 and 6 more transcripts); c.2194dup, p.Tyr732fs (NM_001406813.1); c.2020dup, p.Tyr674fs (NM_001406826.1); and 3 more; short protein forms Y428fs, Y555fs, Y600fs, Y631fs, Y674fs, Y704fs, Y730fs, Y732fs.
Identifiers: ClinVar variation 2673652 (VCV002673652.2), dbSNP rs2530656146, ClinGen allele CA2586969285.